The following is an entry in ClinVar:

NM_000038.6(APC):c.4875A>T (p.Gln1625His)

Gene: APC (APC regulator of Wnt signaling pathway; plus strand). Cytogenetic location: 5q22.2.
Variant type: single nucleotide variant.
Coding change: c.4875A>T on transcript NM_000038.6 (MANE Select); coding-DNA position 4875, A replaced by T.
Protein change: p.Gln1625His; replaces glutamine 1625 with histidine.
Molecular consequence: missense variant. On other transcripts: non-coding transcript variant (2).
Genome position (GRCh38, 1-based): chr5:112,840,469, A>T. VCF-style: chr5-112840469-A-T. GRCh37 (hg19) VCF-style: chr5-112176166-A-T.
Other names: c.4875A>T, p.Gln1625His (NM_001127510.3, NM_001354895.2, NM_001407450.1); c.4821A>T, p.Gln1607His (NM_001127511.3); c.4929A>T, p.Gln1643His (NM_001354896.2, NM_001407447.1, NM_001407448.1 and 1 more transcripts); c.4905A>T, p.Gln1635His (NM_001354897.2); c.4800A>T, p.Gln1600His (NM_001354898.2); c.4791A>T, p.Gln1597His (NM_001354899.2); c.4752A>T, p.Gln1584His (NM_001354900.2); c.4698A>T, p.Gln1566His (NM_001354901.2, NM_001407453.1); and 11 more; short protein forms Q1241H, Q1342H, Q1465H, Q1496H, Q1499H, Q1524H, Q1534H, Q1542H.
Identifiers: ClinVar variation 3230570 (VCV003230570.1), dbSNP rs2533605524, ClinGen allele CA16032014.

ClinVar aggregate classification (germline): Uncertain significance (1 of 4 stars; one submission).

Conditions:
Hereditary cancer-predisposing syndrome. Also called: Neoplastic Syndromes, Hereditary; Tumor predisposition; Hereditary neoplastic syndrome; Hereditary Cancer Syndrome. Identifiers: Orphanet 140162, MedGen C0027672, MeSH D009386, MONDO:0015356.

Submission:

Ambry Genetics
Classification: Uncertain significance for Hereditary cancer-predisposing syndrome. Last evaluated: 2023-11-21. Review status: criteria provided, single submitter. Criteria: Ambry Variant Classification Scheme 2023. Collection method: clinical testing. Allele origin: germline.
Comment: The p.Q1625H variant (also known as c.4875A>T), located in coding exon 15 of the APC gene, results from an A to T substitution at nucleotide position 4875. The glutamine at codon 1625 is replaced by histidine, an amino acid with highly similar properties. This amino acid position is well conserved in available vertebrate species. In addition, in silico predictors for this gene do not accurately predict pathogenicity. Since supporting evidence is limited at this time, the clinical significance of this alteration remains unclear.